The following is an entry in ClinVar:

NM_024312.5(GNPTAB):c.3250-1_3250delinsAT

Gene: GNPTAB (N-acetylglucosamine-1-phosphate transferase subunits alpha and beta; minus strand). Cytogenetic location: 12q23.2.
Variant type: Indel.
Coding change: c.3250-1_3250delinsAT on transcript NM_024312.5 (MANE Select); the canonical splice acceptor site of the intron before coding-DNA position 3250 through coding-DNA position 3250, GC replaced by AT.
Molecular consequence: splice acceptor variant.
Genome position (GRCh38, 1-based): chr12:101,757,657-101,757,658, GC replaced by AT on the plus strand (GC replaced by AT on the coding strand, the reverse complement: GNPTAB is on the minus strand). VCF-style: chr12-101757657-GC-AT. GRCh37 (hg19) VCF-style: chr12-102151435-GC-AT.
Identifiers: ClinVar variation 397570 (VCV000397570.3), dbSNP rs1060499687, ClinGen allele CA16609426.

ClinVar aggregate classification (germline): Likely pathogenic (1 of 4 stars; one submission).

Conditions:
Mucolipidosis type II. Also called: ML II ALPHA/BETA; Mucolipidosis 2; ML 2; Inclusion cell disease; Leroy Disease; N-acetylglucosamine 1phosphotransferase deficiency. Identifiers: Orphanet 576, MedGen C2673377, MONDO:0009650, OMIM 252500.
Pseudo-Hurler polydystrophy. Also called: ML III; ML III ALPHA/BETA; Mucolipidosis III Alpha/Beta; Type III Mucolipidosis; ML IIIA; MUCOLIPIDOSIS IIIA. Identifiers: Orphanet 423461, Orphanet 577, MedGen C0033788, MONDO:0018931, OMIM 252600.

Submission:

Diagnostics Division, CENTRE FOR DNA FINGERPRINTING AND DIAGNOSTICS
Classification: Likely pathogenic for Mucolipidosis type II; Pseudo-Hurler polydystrophy. Last evaluated: 2016-01-01. Review status: criteria provided, single submitter. Criteria: ACMG Guidelines, 2015. Collection method: research. Allele origin: unknown. Affected: yes. Observed: 1 homozygote.
Comment: Indel variant